The following is an entry in ClinVar:

ClinVar aggregate classification (germline): Uncertain significance. Review status: criteria provided, multiple submitters, no conflicts (2 of 4 stars). 6 submissions from 6 submitters: Uncertain significance (6). Last evaluated 2026-08-18.

Conditions:
Hereditary nonpolyposis colorectal neoplasms. Identifiers: MedGen C0009405, MeSH D003123.
Hereditary cancer-predisposing syndrome. Also called: Neoplastic Syndromes, Hereditary; Hereditary Cancer Syndrome; Hereditary neoplastic syndrome; Tumor predisposition. Identifiers: Orphanet 140162, MedGen C0027672, MeSH D009386, MONDO:0015356.

gnomAD v4.1: 1 of 1,614,028 alleles (0.000062%); no homozygotes.

Submissions (6):

Ambry Genetics
Classification: Uncertain significance for Hereditary cancer-predisposing syndrome. Last evaluated: 2026-08-18. Review status: criteria provided, single submitter. Criteria: Ambry Variant Classification Scheme 2023. Collection method: clinical testing. Allele origin: germline.
Comment: The p.N455S variant (also known as c.1364A>G), located in coding exon 4 of the MSH6 gene, results from an A to G substitution at nucleotide position 1364. The asparagine at codon 455 is replaced by serine, an amino acid with highly similar properties. This amino acid position is not well conserved in available vertebrate species. In addition, this alteration is predicted to be tolerated by in silico analysis. Based on the available evidence, the clinical significance of this variant remains unclear.

Labcorp Genetics (formerly Invitae), Labcorp
Classification: Uncertain significance for Hereditary nonpolyposis colorectal neoplasms. Last evaluated: 2025-08-29. Review status: criteria provided, single submitter. Criteria: Invitae Variant Classification Sherloc (09022015). Collection method: clinical testing. Allele origin: germline.
Comment: This sequence change replaces asparagine, which is neutral and polar, with serine, which is neutral and polar, at codon 455 of the MSH6 protein (p.Asn455Ser). This variant is not present in population databases (gnomAD no frequency). This variant has not been reported in the literature in individuals affected with MSH6-related conditions. ClinVar contains an entry for this variant (Variation ID: 630813). Invitae Evidence Modeling of protein sequence and biophysical properties (such as structural, functional, and spatial information, amino acid conservation, physicochemical variation, residue mobility, and thermodynamic stability) indicates that this missense variant is not expected to disrupt MSH6 protein function with a negative predictive value of 95%. In summary, the available evidence is currently insufficient to determine the role of this variant in disease. Therefore, it has been classified as a Variant of Uncertain Significance.

Mayo Clinic Laboratories, Mayo Clinic
Classification: Uncertain significance. Last evaluated: 2025-05-04. Review status: criteria provided, single submitter. Criteria: ACMG Guidelines, 2015. Collection method: clinical testing. Allele origin: germline. Observed: 1 variant allele.
Comment: BP4, PM2_supporting

Color Diagnostics, LLC DBA Color Health
Classification: Uncertain significance for Hereditary cancer-predisposing syndrome. Last evaluated: 2023-10-02. Review status: criteria provided, single submitter. Criteria: ACMG Guidelines, 2015. Collection method: clinical testing. Allele origin: germline.
Comment: This missense variant replaces asparagine with serine at codon 455 of the MSH6 protein. Computational prediction suggests that this variant may not impact protein structure and function (internally defined REVEL score threshold <= 0.5, PMID: 27666373). To our knowledge, functional studies have not been reported for this variant. This variant has not been reported in individuals affected with MSH6-related disorders in the literature. This variant has not been identified in the general population by the Genome Aggregation Database (gnomAD). The available evidence is insufficient to determine the role of this variant in disease conclusively. Therefore, this variant is classified as a Variant of Uncertain Significance.

GeneDx
Classification: Uncertain significance. Last evaluated: 2022-09-21. Review status: criteria provided, single submitter. Criteria: GeneDx Variant Classification Process June 2021. Collection method: clinical testing. Allele origin: germline. Affected: yes.
Comment: Not observed at significant frequency in large population cohorts (gnomAD); In silico analysis supports that this missense variant does not alter protein structure/function; Has not been previously published as pathogenic or benign to our knowledge; This variant is associated with the following publications: (PMID: 17531815, 21120944)

Sema4
Classification: Uncertain significance for Hereditary cancer-predisposing syndrome. Last evaluated: 2021-11-05. Review status: criteria provided, single submitter. Criteria: Sema4 Curation Guidelines. Collection method: curation. Allele origin: germline.
Comment: To the best of our knowledge, the MSH6 c.1364A>G (p.N455S) variant has not been reported in individuals with MSH6-related disease. It was not observed in the large and broad cohorts of the Genome Aggregation Database (PMID: 32461654). The variant has been reported in ClinVar (Variation ID: 630813). Functional studies have not been performed, and in silico predictions of the variant's effect on protein function are inconclusive. The evidence is insufficient to meet ACMG/AMP criteria for classifying the variant as benign or pathogenic. Thus, the clinical significance of this variant is currently uncertain.

NM_000179.3(MSH6):c.1364A>G (p.Asn455Ser)

Gene: MSH6 (mutS homolog 6; plus strand). Cytogenetic location: 2p16.3.
Variant type: single nucleotide variant.
Coding change: c.1364A>G on transcript NM_000179.3 (MANE Select); coding-DNA position 1364, A replaced by G.
Protein change: p.Asn455Ser; replaces asparagine 455 with serine.
Molecular consequence: missense variant.
Genome position (GRCh38, 1-based): chr2:47,799,347, A>G. VCF-style: chr2-47799347-A-G. GRCh37 (hg19) VCF-style: chr2-48026486-A-G.
Other names: p.Asn455Ser; c.974A>G, p.Asn325Ser (NM_001281492.2); c.458A>G, p.Asn153Ser (NM_001281493.2, NM_001281494.2); short protein forms N455S, N153S, N325S.
Identifiers: ClinVar variation 630813 (VCV000630813.23), dbSNP rs200938360, ClinGen allele CA346744815.